The following is an entry in ClinVar:

NM_006648.4(WNK2):c.5638A>G (p.Ile1880Val)

Gene: WNK2 (WNK lysine deficient protein kinase 2; plus strand). Cytogenetic location: 9q22.31.
Variant type: single nucleotide variant.
Coding change: c.5638A>G on transcript NM_006648.4 (MANE Select); coding-DNA position 5638, A replaced by G.
Protein change: p.Ile1880Val; replaces isoleucine 1880 with valine.
Molecular consequence: missense variant.
Genome position (GRCh38, 1-based): chr9:93,293,103, A>G. VCF-style: chr9-93293103-A-G. GRCh37 (hg19) VCF-style: chr9-96055385-A-G.
Other names: c.5749A>G, p.Ile1917Val (NM_001282394.3); short protein forms I1917V, I1880V.
Identifiers: ClinVar variation 4201503 (VCV004201503.1).

ClinVar aggregate classification (germline): Uncertain significance (1 of 4 stars; one submission).

gnomAD v4.1: 4 of 1,597,814 alleles (0.00025%); highest among the groups gnomAD compares: South Asian, 0.0034%; no homozygotes.

Submission:

Ambry Genetics
Classification: Uncertain significance. Last evaluated: 2025-06-15. Review status: criteria provided, single submitter. Criteria: Ambry Variant Classification Scheme 2023. Collection method: clinical testing. Allele origin: germline.
Comment: The p.I1880V variant (also known as c.5638A>G), located in coding exon 22 of the WNK2 gene, results from an A to G substitution at nucleotide position 5638. The isoleucine at codon 1880 is replaced by valine, an amino acid with highly similar properties. This amino acid position is conserved. In addition, this alteration is predicted to be tolerated by in silico analysis. Based on the available evidence, the clinical significance of this variant remains unclear.